The following is an entry in ClinVar:

ClinVar aggregate classification (germline): Uncertain significance. Review status: criteria provided, multiple submitters, no conflicts (2 of 4 stars). 4 submissions from 4 submitters: Uncertain significance (4). Last evaluated 2025-08-18.

Conditions:
Dyskeratosis congenita, autosomal dominant 2. Identifiers: MedGen C3151443, MONDO:0013521, OMIM 613989.
Idiopathic Pulmonary Fibrosis. Also called: Idiopathic fibrosing alveolitis, chronic form; idiopathic fibrosing alveolitis. Identifiers: Orphanet 2032, MedGen C1800706, MeSH D054990, MONDO:0800504.
Dyskeratosis congenita. Identifiers: Orphanet 1775, MedGen C0265965, MONDO:0015780.

Allele frequency attached by ClinVar (database versions not stated): gnomAD 0.00001; gnomAD exomes 0.00001; TOPMed 0.00001; ExAC 0.00003.
gnomAD v4.1: 30 of 1,612,064 alleles (0.0019%); highest among the groups gnomAD compares: Non-Finnish European, 0.0024%; no homozygotes.

Submissions (4):

Mayo Clinic Laboratories, Mayo Clinic
Classification: Uncertain significance. Last evaluated: 2025-08-18. Review status: criteria provided, single submitter. Criteria: ACMG Guidelines, 2015. Collection method: clinical testing. Allele origin: germline. Observed: 2 variant alleles.
Comment: PP2, PM2_supporting

Labcorp Genetics (formerly Invitae), Labcorp
Classification: Uncertain significance for Dyskeratosis congenita, autosomal dominant 2; Idiopathic Pulmonary Fibrosis. Last evaluated: 2025-08-11. Review status: criteria provided, single submitter. Criteria: Invitae Variant Classification Sherloc (09022015). Collection method: clinical testing. Allele origin: germline.
Comment: This sequence change replaces alanine, which is neutral and non-polar, with threonine, which is neutral and polar, at codon 1118 of the TERT protein (p.Ala1118Thr). The frequency data for this variant in the population databases is considered unreliable, as metrics indicate poor data quality at this position in the gnomAD database. This variant has not been reported in the literature in individuals affected with TERT-related conditions. ClinVar contains an entry for this variant (Variation ID: 410677). Invitae Evidence Modeling of protein sequence and biophysical properties (such as structural, functional, and spatial information, amino acid conservation, physicochemical variation, residue mobility, and thermodynamic stability) indicates that this missense variant is expected to disrupt TERT protein function with a positive predictive value of 95%. In summary, the available evidence is currently insufficient to determine the role of this variant in disease. Therefore, it has been classified as a Variant of Uncertain Significance.

Ambry Genetics
Classification: Uncertain significance for Dyskeratosis congenita. Last evaluated: 2025-07-01. Review status: criteria provided, single submitter. Criteria: Ambry Variant Classification Scheme 2023. Collection method: clinical testing. Allele origin: germline.
Comment: The p.A1118T variant (also known as c.3352G>A), located in coding exon 16 of the TERT gene, results from a G to A substitution at nucleotide position 3352. The alanine at codon 1118 is replaced by threonine, an amino acid with similar properties. This amino acid position is well conserved in available vertebrate species. In addition, the in silico prediction for this alteration is inconclusive. Based on the available evidence, the clinical significance of this variant remains unclear.

Baylor Genetics
Classification: Uncertain significance for Dyskeratosis congenita, autosomal dominant 2. Last evaluated: 2023-11-14. Review status: criteria provided, single submitter. Criteria: ACMG Guidelines, 2015. Collection method: clinical testing. Allele origin: unknown.

NM_198253.3(TERT):c.3352G>A (p.Ala1118Thr)

Gene: TERT (telomerase reverse transcriptase; minus strand). Cytogenetic location: 5p15.33.
Variant type: single nucleotide variant.
Coding change: c.3352G>A on transcript NM_198253.3 (MANE Select); coding-DNA position 3352, G replaced by A.
Protein change: p.Ala1118Thr; replaces alanine 1118 with threonine.
Molecular consequence: missense variant. On other transcripts: non-coding transcript variant (2).
Genome position (GRCh38, 1-based): chr5:1,253,775, C>T on the plus strand (G>A on the coding strand, the complement: TERT is on the minus strand). VCF-style: chr5-1253775-C-T. GRCh37 (hg19) VCF-style: chr5-1253890-C-T.
Other names: p.Ala1118Thr; c.3163G>A, p.Ala1055Thr (NM_001193376.3); short protein forms A1118T, A1055T.
Identifiers: ClinVar variation 410677 (VCV000410677.14), dbSNP rs756628621, ClinGen allele CA3184206.